The following is an entry in ClinVar:

NM_178844.4(NLRC3):c.2184-293G>C

Gene: NLRC3 (NLR family CARD domain containing 3; minus strand). Cytogenetic location: 16p13.3.
Variant type: single nucleotide variant.
Coding change: c.2184-293G>C on transcript NM_178844.4 (MANE Select); 293 bases into the intron before coding-DNA position 2184, G replaced by C.
Molecular consequence: intron variant.
Genome position (GRCh38, 1-based): chr16:3,554,618, C>G on the plus strand (G>C on the coding strand, the complement: NLRC3 is on the minus strand). VCF-style: chr16-3554618-C-G. GRCh37 (hg19) VCF-style: chr16-3604619-C-G.
Identifiers: ClinVar variation 103369 (VCV000103369.2), dbSNP rs199476284, ClinGen allele CA230482.
Genomic context (GRCh38, chr16:3,554,618, plus strand): 5'-TCTCTGAATAACCACAACAAAGTCATCAATTGCCCTCATTACAGCTGAAAGACACAGGAT[C>G]CAAGTGTTGGTGAGAATACAGAGAAACTGCAACCCTCACGCTGCTGGTGGGAATGCAAAA-3'

ClinVar aggregate classification (germline): not provided (0 of 4 stars; one submission).

Allele frequency attached by ClinVar (database versions not stated): gnomAD 0.00023 and 0.00025; TOPMed 0.00042.
gnomAD v4.1: 36 of 152,270 alleles (0.024%); highest among the groups gnomAD compares: Admixed American, 0.16%; no homozygotes.

Submission:

Human Evolutionary Genetics, Institut Pasteur
No classification provided. Review status: no classification provided. Collection method: not provided. Allele origin: germline.
ClinVar note: Converted during submission from untested to not provided.